The following is an entry in ClinVar:

ClinVar aggregate classification (germline): Pathogenic (1 of 4 stars; one submission).

Conditions:
Insulin-dependent diabetes mellitus secretory diarrhea syndrome (IPEX). Also called: IPEX and IPEX-Like; Immunodeficiency, Polyendocrinopathy, and Enteropathy X-Linked Syndrome; X-Linked Syndrome of Polyendocrinopathy, Immune Dysfunction, and Diarrhea; Immune dysregulation-polyendocrinopathy-enteropathy-X-linked syndrome; IMMUNODEFICIENCY, POLYENDOCRINOPATHY, AND ENTEROPATHY, X-LINKED; Immunodysregulation, polyendocrinopathy, and enteropathy, X-linked. Identifiers: Orphanet 37042, MedGen C0342288, MONDO:0010580, OMIM 304790. Disease mechanism: loss of function.

Submission:

Labcorp Genetics (formerly Invitae), Labcorp
Classification: Pathogenic for Insulin-dependent diabetes mellitus secretory diarrhea syndrome. Last evaluated: 2019-05-08. Review status: criteria provided, single submitter. Criteria: Invitae Variant Classification Sherloc (09022015). Collection method: clinical testing. Allele origin: germline.
Comment: For these reasons, this variant has been classified as Pathogenic. Loss-of-function variants in FOXP3 are known to be pathogenic (PMID: 11137992, 11137993). This variant has not been reported in the literature in individuals with FOXP3-related conditions. This variant is not present in population databases (ExAC no frequency). This sequence change creates a premature translational stop signal (p.Arg48*) in the FOXP3 gene. It is expected to result in an absent or disrupted protein product.

Literature cited by the submitters: PubMed 11137992; PubMed 11137993.

NM_014009.4(FOXP3):c.142C>T (p.Arg48Ter)

Gene: FOXP3 (forkhead box P3; minus strand). Cytogenetic location: Xp11.23.
Variant type: single nucleotide variant.
Coding change: c.142C>T on transcript NM_014009.4 (MANE Select); coding-DNA position 142, C replaced by T.
Protein change: p.Arg48Ter; replaces arginine 48 with a stop codon.
Molecular consequence: nonsense.
Genome position (GRCh38, 1-based): chrX:49,258,364, G>A on the plus strand (C>T on the coding strand, the complement: FOXP3 is on the minus strand). VCF-style: chrX-49258364-G-A. GRCh37 (hg19) VCF-style: chrX-49114821-G-A.
Other names: c.142C>T, p.Arg48Ter (NM_001114377.2); short protein forms R48*.
Identifiers: ClinVar variation 952674 (VCV000952674.7), dbSNP rs2066088072, ClinGen allele CA412954016.